The following is an entry in ClinVar:

ClinVar aggregate classification (germline): Pathogenic (1 of 4 stars; one submission).

Conditions:
Breast-ovarian cancer, familial, susceptibility to, 1 (BROVCA1). Also called: OVARIAN CANCER, SUSCEPTIBILITY TO; BRCA1 Hereditary Breast and Ovarian Cancer. Identifiers: Orphanet 145, MedGen C2676676, MONDO:0011450, OMIM 604370. Disease mechanism: loss of function.

Submission:

Dasa
Classification: Pathogenic for Breast-ovarian cancer, familial, susceptibility to, 1. Last evaluated: 2025-05-01. Review status: criteria provided, single submitter. Criteria: DASA Assertion Criteria. Collection method: clinical testing. Allele origin: germline.
Comment: NM_007294.4(BRCA1):c.241_256del (p.Gln81Tyrfs*2) is a frameshift variant in BRCA1 predicted to alter the reading frame and introduce a premature termination codon and is predicted to result in an absent or altered protein product. Loss of function is an established disease mechanism for BRCA1 (PMID: 32375709; PMID: 21989022; PMID: 11802209). The affected residue or protein region has prior evidence supporting clinical relevance. Also, this variant is absent from population databases. Based on the currently available evidence, this variant is classified as pathogenic.

Literature cited by the submitters: PubMed 32375709; PubMed 21989022; PubMed 11802209.

NM_007294.4(BRCA1):c.241_256del (p.Gln81fs)

Gene: BRCA1 (BRCA1 DNA repair associated; minus strand). Cytogenetic location: 17q21.31.
Variant type: Deletion.
Coding change: c.241_256del on transcript NM_007294.4 (MANE Select); coding-DNA positions 241 to 256, 16 bases deleted (CAACTTGTTGAAGAGC).
Protein change: p.Gln81fs; shifts the reading frame from glutamine 81.
Molecular consequence: frameshift variant. On other transcripts: 5 prime UTR variant (7), intron variant (2).
Genome position (GRCh38, 1-based): chr17:43,104,913-43,104,928, GCTCTTCAACAAGTTG deleted on the plus strand (CAACTTGTTGAAGAGC on the coding strand, the reverse complement: BRCA1 is on the minus strand). VCF-style (leftmost placement, unchanged base first): chr17-43104912-AGCTCTTCAACAAGTTG-A. GRCh37 (hg19) VCF-style: chr17-41256929-AGCTCTTCAACAAGTTG-A.
Other names: c.31_46del, p.Gln11fs (NM_001407953.1, NM_001407954.1, NM_001407955.1 and 58 more transcripts); c.-141_-126del (NM_001407959.1, NM_001407960.1, NM_001407962.1 and 4 more transcripts); c.100_115del, p.Gln34fs (NM_001407964.1, NM_001408410.1, NM_001408452.1 and 99 more transcripts); c.241_256del, p.Gln81fs (NM_001407968.1, NM_001407969.1, NM_001407970.1 and 167 more transcripts); c.163_178del, p.Gln55fs (NM_001408409.1, NM_001408411.1, NM_001408412.1 and 21 more transcripts); c.109_124del, p.Gln37fs (NM_001408451.1); c.-218-10068_-218-10053del (NM_001407967.1, NM_001407966.1); short protein forms Q11fs, Q34fs, Q37fs, Q55fs, Q81fs.
Identifiers: ClinVar variation 4884209 (VCV004884209.2).